The following is an entry in ClinVar:

ClinVar aggregate classification (germline): Uncertain significance (1 of 4 stars; one submission).

Submission:

Ambry Genetics
Classification: Uncertain significance. Last evaluated: 2022-05-17. Review status: criteria provided, single submitter. Criteria: Ambry Variant Classification Scheme 2023. Collection method: clinical testing. Allele origin: germline.
Comment: The p.V71L variant (also known as c.211G>C), located in coding exon 2 of the IDH1 gene, results from a G to C substitution at nucleotide position 211. The valine at codon 71 is replaced by leucine, an amino acid with highly similar properties. This amino acid position is conserved. In addition, this alteration is predicted to be tolerated by in silico analysis. Since supporting evidence is limited at this time, the clinical significance of this alteration remains unclear.

NM_005896.4(IDH1):c.211G>C (p.Val71Leu)

Gene: IDH1 (isocitrate dehydrogenase (NADP(+)) 1; minus strand). Cytogenetic location: 2q34.
Variant type: single nucleotide variant.
Coding change: c.211G>C on transcript NM_005896.4 (MANE Select); coding-DNA position 211, G replaced by C.
Protein change: p.Val71Leu; replaces valine 71 with leucine.
Molecular consequence: missense variant.
Genome position (GRCh38, 1-based): chr2:208,248,572, C>G on the plus strand (G>C on the coding strand, the complement: IDH1 is on the minus strand). VCF-style: chr2-208248572-C-G. GRCh37 (hg19) VCF-style: chr2-209113296-C-G.
Other names: c.211G>C, p.Val71Leu (NM_001282386.1, NM_001282387.1); short protein forms V71L.
Identifiers: ClinVar variation 1786229 (VCV001786229.2), dbSNP rs73070954, ClinGen allele CA350102319.